The following is an entry in ClinVar:

ClinVar aggregate classification (germline): Uncertain significance (1 of 4 stars; one submission).

gnomAD v4.1: 2 of 1,613,846 alleles (0.00012%); highest among the groups gnomAD compares: African/African-American, 0.0027%; no homozygotes.

Submission:

GeneDx
Classification: Uncertain significance. Last evaluated: 2025-01-03. Review status: criteria provided, single submitter. Criteria: GeneDx Variant Classification Process June 2021. Collection method: clinical testing. Allele origin: germline. Affected: yes.
Comment: Not observed at significant frequency in large population cohorts (gnomAD); In silico analysis indicates that this missense variant does not alter protein structure/function; Has not been previously published as pathogenic or benign to our knowledge

NM_001829.4(CLCN3):c.1120C>G (p.Leu374Val)

Gene: CLCN3 (chloride voltage-gated channel 3; plus strand). Cytogenetic location: 4q33.
Variant type: single nucleotide variant.
Coding change: c.1120C>G on transcript NM_001829.4 (MANE Select); coding-DNA position 1120, C replaced by G.
Protein change: p.Leu374Val; replaces leucine 374 with valine.
Molecular consequence: missense variant.
Genome position (GRCh38, 1-based): chr4:169,697,291, C>G. VCF-style: chr4-169697291-C-G. GRCh37 (hg19) VCF-style: chr4-170618442-C-G.
Other names: c.1039C>G, p.Leu347Val (NM_001243372.2, NM_001243374.2); c.1120C>G, p.Leu374Val (NM_173872.4); short protein forms L347V, L374V.
Identifiers: ClinVar variation 4055987 (VCV004055987.1).
Genomic context (GRCh38, chr4:169,697,291, plus strand): 5'-TTTGCTGCTTTAGTGGCTGCATTTGTTTTGAGGTCCATCAATCCATTTGGTAACAGCCGT[C>G]TGGTCCTTTTTTATGTGGAGTATCATACACCATGGTACCTTTTTGAACTGTTTCCTTTTA-3'
Protein context (NP_001820.2, residues 364-384): RSINPFGNSR[Leu374Val]VLFYVEYHTP